The following is an entry in ClinVar:

ClinVar aggregate classification (germline): Uncertain significance (1 of 4 stars; one submission).

Conditions:
Aicardi-Goutieres syndrome 6 (AGS6). Identifiers: Orphanet 51, MedGen C3539013, MONDO:0014007, OMIM 615010.
Symmetrical dyschromatosis of extremities (DSH). Also called: RETICULATE ACROPIGMENTATION OF DOHI; SYMMETRIC DYSCHROMATOSIS OF THE EXTREMITIES; Dyschromatosis symmetrica hereditaria; DYSCHROMATOSIS SYMMETRICA HEREDITARIA 1. Identifiers: Orphanet 41, MedGen C0406775, MONDO:0007483, OMIM 127400.

Submission:

Labcorp Genetics (formerly Invitae), Labcorp
Classification: Uncertain significance for Aicardi-Goutieres syndrome 6; Symmetrical dyschromatosis of extremities. Last evaluated: 2022-08-16. Review status: criteria provided, single submitter. Criteria: Invitae Variant Classification Sherloc (09022015). Collection method: clinical testing. Allele origin: germline.
Comment: In summary, the available evidence is currently insufficient to determine the role of this variant in disease. Therefore, it has been classified as a Variant of Uncertain Significance. Algorithms developed to predict the effect of missense changes on protein structure and function output the following: SIFT: "Tolerated"; PolyPhen-2: "Benign"; Align-GVGD: "Class C0". The glycine amino acid residue is found in multiple mammalian species, which suggests that this missense change does not adversely affect protein function. ClinVar contains an entry for this variant (Variation ID: 1398668). This variant has not been reported in the literature in individuals affected with ADAR-related conditions. This variant is not present in population databases (gnomAD no frequency). This sequence change replaces aspartic acid, which is acidic and polar, with glycine, which is neutral and non-polar, at codon 214 of the ADAR protein (p.Asp214Gly).

NM_001111.5(ADAR):c.641A>G (p.Asp214Gly)

Gene: ADAR (adenosine deaminase RNA specific; minus strand). Cytogenetic location: 1q21.3.
Variant type: single nucleotide variant.
Coding change: c.641A>G on transcript NM_001111.5 (MANE Select); coding-DNA position 641, A replaced by G.
Protein change: p.Asp214Gly; replaces aspartic acid 214 with glycine.
Molecular consequence: missense variant. On other transcripts: 5 prime UTR variant (6).
Genome position (GRCh38, 1-based): chr1:154,602,001, T>C on the plus strand (A>G on the coding strand, the complement: ADAR is on the minus strand). VCF-style: chr1-154602001-T-C. GRCh37 (hg19) VCF-style: chr1-154574477-T-C.
Other names: c.-245A>G (NM_001025107.3, NM_001193495.2, NM_001365046.1 and 3 more transcripts); c.668A>G, p.Asp223Gly (NM_001365045.1); c.641A>G, p.Asp214Gly (NM_015840.4, NM_015841.4); short protein forms D223G, D214G.
Identifiers: ClinVar variation 1398668 (VCV001398668.8), dbSNP rs2101642759, ClinGen allele CA342600654.